The following is an entry in ClinVar:

ClinVar aggregate classification (germline): Uncertain significance (1 of 4 stars; one submission).

Submission:

Quest Diagnostics Nichols Institute San Juan Capistrano
Classification: Uncertain significance. Last evaluated: 2023-10-18. Review status: criteria provided, single submitter. Criteria: Quest Diagnostics criteria. Collection method: clinical testing. Allele origin: unknown.
Comment: The RECQL c.182_183del (p.Tyr61*) variant alters the translational reading frame of the RECQL mRNA and is predicted to cause the premature termination of RECQL protein synthesis. However, the gene-disease association for RECQL is limited and loss-of-function is not an established mechanism of disease. This variant has not been reported in the published literature. It also has not been reported in large, multi-ethnic general populations (Genome Aggregation Database). Based on the available information, we are unable to determine the clinical significance of this variant.

NM_002907.4(RECQL):c.182_183del (p.Glu60_Tyr61insTer)

Gene: RECQL (RecQ like helicase; minus strand). Cytogenetic location: 12p12.1.
Variant type: Microsatellite.
Coding change: c.182_183del on transcript NM_002907.4 (MANE Select); coding-DNA positions 182 to 183, 2 bases deleted (AT; older notation c.182_183delAT).
Protein change: p.Glu60_Tyr61insTer.
Molecular consequence: nonsense.
Genome position (GRCh38, 1-based): chr12:21,491,550-21,491,551, AT deleted on the plus strand (AT on the coding strand, the reverse complement: RECQL is on the minus strand); deleting any 2 consecutive bases within chr12:21,491,550-21,491,553 gives the same sequence; the c. name uses the placement nearest the transcript's 3' end. VCF-style (leftmost placement, unchanged base first): chr12-21491549-CAT-C. GRCh37 (hg19) VCF-style: chr12-21644483-CAT-C.
Other names: c.182_183del, p.Glu60_Tyr61insTer (NM_032941.3).
Identifiers: ClinVar variation 3572222 (VCV003572222.1).